The following is an entry in ClinVar:

ClinVar aggregate classification (germline): Uncertain significance (1 of 4 stars; one submission).

Conditions:
Cardiovascular phenotype. Identifiers: MedGen CN230736.

gnomAD v4.1: 1 of 1,581,546 alleles (0.000063%); highest among the groups gnomAD compares: African/African-American, 0.0013%; no homozygotes.

Submission:

Ambry Genetics
Classification: Uncertain significance for Cardiovascular phenotype. Last evaluated: 2026-07-31. Review status: criteria provided, single submitter. Criteria: Ambry Variant Classification Scheme 2023. Collection method: clinical testing. Allele origin: germline.
Comment: The p.S3959P variant (also known as c.11875T>C), located in coding exon 88 of the RYR2 gene, results from a T to C substitution at nucleotide position 11875. The serine at codon 3959 is replaced by proline, an amino acid with similar properties. This amino acid position is conserved. In addition, this alteration is predicted to be deleterious by in silico analysis. Based on the available evidence, the clinical significance of this variant remains unclear.

NM_001035.3(RYR2):c.11875T>C (p.Ser3959Pro)

Gene: RYR2 (ryanodine receptor 2; plus strand). Cytogenetic location: 1q43.
Variant type: single nucleotide variant.
Coding change: c.11875T>C on transcript NM_001035.3 (MANE Select); coding-DNA position 11875, T replaced by C.
Protein change: p.Ser3959Pro; replaces serine 3959 with proline.
Molecular consequence: missense variant.
Genome position (GRCh38, 1-based): chr1:237,778,765, T>C. VCF-style: chr1-237778765-T-C. GRCh37 (hg19) VCF-style: chr1-237942065-T-C.
Other names: short protein forms S3959P.
Identifiers: ClinVar variation 5028659 (VCV005028659.1).